The following is an entry in ClinVar:

NM_004821.3(HAND1):c.319A>C (p.Thr107Pro)

Gene: HAND1 (heart and neural crest derivatives expressed 1; minus strand). Cytogenetic location: 5q33.2.
Variant type: single nucleotide variant.
Coding change: c.319A>C on transcript NM_004821.3 (MANE Select); coding-DNA position 319, A replaced by C.
Protein change: p.Thr107Pro; replaces threonine 107 with proline.
Molecular consequence: missense variant.
Genome position (GRCh38, 1-based): chr5:154,477,690, T>G on the plus strand (A>C on the coding strand, the complement: HAND1 is on the minus strand). VCF-style: chr5-154477690-T-G. GRCh37 (hg19) VCF-style: chr5-153857250-T-G.
Other names: short protein forms T107P.
Identifiers: ClinVar variation 3702661 (VCV003702661.2).

ClinVar aggregate classification (germline): Uncertain significance (1 of 4 stars; one submission).

Conditions:
Hypoplastic left heart syndrome. Also called: Hypoplastic left heart; Hypoplastic left ventricle. Identifiers: Orphanet 2248, MedGen C0152101, MONDO:0004933, HP:0004383.

gnomAD v4.1: 3 of 1,614,220 alleles (0.00019%); highest among the groups gnomAD compares: African/African-American, 0.0013%; no homozygotes.

Submission:

Labcorp Genetics (formerly Invitae), Labcorp
Classification: Uncertain significance for Hypoplastic left heart syndrome. Last evaluated: 2025-11-08. Review status: criteria provided, single submitter. Criteria: Invitae Variant Classification Sherloc (09022015). Collection method: clinical testing. Allele origin: germline.
Comment: This sequence change replaces threonine, which is neutral and polar, with proline, which is neutral and non-polar, at codon 107 of the HAND1 protein (p.Thr107Pro). This variant is present in population databases (no rsID available, gnomAD 0.007%). This variant has not been reported in the literature in individuals affected with HAND1-related conditions. ClinVar contains an entry for this variant (Variation ID: 3702661). An algorithm developed to predict the effect of missense changes on protein structure and function (PolyPhen-2) suggests that this variant is likely to be disruptive. In summary, the available evidence is currently insufficient to determine the role of this variant in disease. Therefore, it has been classified as a Variant of Uncertain Significance.